The following is an entry in ClinVar:

ClinVar aggregate classification (germline): Benign/Likely benign. Review status: criteria provided, multiple submitters, no conflicts (2 of 4 stars). 5 submissions from 5 submitters: Benign (2); Likely benign (2). 1 of the submissions does not count toward it. Last evaluated 2025-10-16.

Conditions:
EML1-related disorder. Also called: EML1-related condition.

Allele frequency attached by ClinVar (database versions not stated): gnomAD exomes 0.00025 and 0.00068; ExAC 0.00080; gnomAD 0.00249 and 0.00267; ESP Exome Variant Server 0.00261; 1000 Genomes Project 0.00319; TOPMed 0.00322; 1000 Genomes Project 30x 0.00344.
gnomAD v4.1: 765 of 1,614,132 alleles (0.047%); highest among the groups gnomAD compares: African/African-American, 0.77%; 4 homozygotes.

Submissions (5):

Labcorp Genetics (formerly Invitae), Labcorp
Classification: Benign. Last evaluated: 2025-10-16. Review status: criteria provided, single submitter. Criteria: Invitae Variant Classification Sherloc (09022015). Collection method: clinical testing. Allele origin: germline.

Blueprint Genetics
Classification: Likely benign. Last evaluated: 2024-09-13. Review status: criteria provided, single submitter. Criteria: ACMG Guidelines, 2015. Collection method: clinical testing. Allele origin: germline.

CeGaT Center for Human Genetics Tuebingen
Classification: Likely benign. Last evaluated: 2023-04-01. Review status: criteria provided, single submitter. Criteria: CeGaT Center For Human Genetics Tuebingen Variant Classification Criteria Version 2. Collection method: clinical testing. Allele origin: germline. Affected: yes. Observed: 1 variant allele.
Comment: EML1: BP4, BP7, BS2

Breakthrough Genomics
Classification: Benign. Review status: criteria provided, single submitter. Criteria: ACMG Guidelines, 2015. Collection method: not provided. Allele origin: germline. Inheritance: Autosomal recessive inheritance. Affected: yes.

PreventionGenetics, part of Exact Sciences
Classification: Benign for EML1-related condition. Last evaluated: 2024-06-24. Review status: no assertion criteria provided. Collection method: clinical testing. Allele origin: germline. Not counted in ClinVar's aggregate classification.
Comment: This variant is classified as benign based on ACMG/AMP sequence variant interpretation guidelines (Richards et al. 2015 PMID: 25741868, with internal and published modifications).

NM_004434.3(EML1):c.1989G>A (p.Thr663=)

Gene: EML1 (EMAP like 1; plus strand). Cytogenetic location: 14q32.2.
Variant type: single nucleotide variant.
Coding change: c.1989G>A on transcript NM_004434.3 (MANE Select); coding-DNA position 1989, G replaced by A.
Protein change: p.Thr663=; no amino-acid change (threonine 663 retained).
Molecular consequence: synonymous variant.
Genome position (GRCh38, 1-based): chr14:99,936,108, G>A. VCF-style: chr14-99936108-G-A. GRCh37 (hg19) VCF-style: chr14-100402445-G-A.
Other names: c.2046G>A, p.Thr682= (NM_001008707.2); c.1950G>A, p.Thr650= (NM_001375411.1); c.1857G>A, p.Thr619= (NM_001375412.1).
Identifiers: ClinVar variation 716012 (VCV000716012.34), dbSNP rs114779100, ClinGen allele CA7342807.